The following is an entry in ClinVar:

ClinVar aggregate classification (germline): Uncertain significance (1 of 4 stars; one submission).

Submission:

Dasa
Classification: Uncertain significance. Last evaluated: 2025-02-25. Review status: criteria provided, single submitter. Criteria: DASA Assertion Criteria. Collection method: clinical testing. Allele origin: germline.
Comment: NM_000257.4(MYH7):c.5675A>T (p.Asn1892Ile) is a missense variant that results in the substitution of asparagine with isoleucine. This variant is absent from population databases. Computational prediction algorithms are consistent with a deleterious effect. The currently available literature and clinical evidence are not sufficient to establish a definitive association between this variant and the reported condition. Therefore, this variant is classified as a variant of uncertain significance.

NM_000257.4(MYH7):c.5675A>T (p.Asn1892Ile)

Gene: MYH7 (myosin heavy chain 7; minus strand). Cytogenetic location: 14q11.2.
Variant type: single nucleotide variant.
Coding change: c.5675A>T on transcript NM_000257.4 (MANE Select); coding-DNA position 5675, A replaced by T.
Protein change: p.Asn1892Ile; replaces asparagine 1892 with isoleucine.
Molecular consequence: missense variant.
Genome position (GRCh38, 1-based): chr14:23,413,874, T>A on the plus strand (A>T on the coding strand, the complement: MYH7 is on the minus strand). VCF-style: chr14-23413874-T-A. GRCh37 (hg19) VCF-style: chr14-23883083-T-A.
Other names: c.5675A>T, p.Asn1892Ile (NM_001407004.1); short protein forms N1892I.
Identifiers: ClinVar variation 4883044 (VCV004883044.2).